The following is an entry in ClinVar:

NM_013275.6(ANKRD11):c.6017G>A (p.Gly2006Glu)

Gene: ANKRD11 (ankyrin repeat domain containing 11; minus strand). Cytogenetic location: 16q24.3.
Variant type: single nucleotide variant.
Coding change: c.6017G>A on transcript NM_013275.6 (MANE Select); coding-DNA position 6017, G replaced by A.
Protein change: p.Gly2006Glu; replaces glycine 2006 with glutamic acid.
Molecular consequence: missense variant.
Genome position (GRCh38, 1-based): chr16:89,280,525, C>T on the plus strand (G>A on the coding strand, the complement: ANKRD11 is on the minus strand). VCF-style: chr16-89280525-C-T. GRCh37 (hg19) VCF-style: chr16-89346933-C-T.
Other names: c.6017G>A, p.Gly2006Glu (NM_001256182.2, NM_001256183.2); short protein forms G2006E.
Identifiers: ClinVar variation 3373715 (VCV003373715.1).

ClinVar aggregate classification (germline): Uncertain significance (1 of 4 stars; one submission).

gnomAD v4.1: 6 of 1,611,694 alleles (0.00037%); highest among the groups gnomAD compares: East Asian, 0.0045%; no homozygotes.

Submission:

GeneDx
Classification: Uncertain significance. Last evaluated: 2024-03-10. Review status: criteria provided, single submitter. Criteria: GeneDx Variant Classification Process June 2021. Collection method: clinical testing. Allele origin: germline. Affected: yes.
Comment: Not observed at significant frequency in large population cohorts (gnomAD); In silico analysis supports that this missense variant does not alter protein structure/function; Has not been previously published as pathogenic or benign to our knowledge